The following is an entry in ClinVar:

NM_001206744.2(TPO):c.2473T>C (p.Cys825Arg)

Genes: TPO (thyroid peroxidase; plus strand), LALTOP (lung cancer associated lncRNA targeting TOP2A; minus strand). Cytogenetic location: 2p25.3.
Variant type: single nucleotide variant.
Coding change: c.2473T>C on transcript NM_001206744.2 (MANE Select); coding-DNA position 2473, T replaced by C.
Protein change: p.Cys825Arg; replaces cysteine 825 with arginine.
Molecular consequence: missense variant. On other transcripts: intron variant (1).
Genome position (GRCh38, 1-based): chr2:1,504,034, T>C. VCF-style: chr2-1504034-T-C. GRCh37 (hg19) VCF-style: chr2-1507806-T-C.
Other names: c.2302T>C, p.Cys768Arg (NM_001206745.2, NM_175719.4); c.2473T>C, p.Cys825Arg (NM_000547.6); c.1954T>C, p.Cys652Arg (NM_175722.3); c.2386+7269T>C (NM_175721.3); short protein forms C652R, C768R, C825R.
Identifiers: ClinVar variation 1687484 (VCV001687484.1), dbSNP rs2125001180, ClinGen allele CA345693533.

ClinVar aggregate classification (germline): Likely pathogenic (1 of 4 stars; one submission).

Conditions:
Deficiency of iodide peroxidase (TDH2A). Also called: Thyroid dyshormonogenesis 2A; HYPOTHYROIDISM, CONGENITAL, DUE TO DYSHORMONOGENESIS, 2A; IODIDE PEROXIDASE DEFICIENCY; THYROID HORMONOGENESIS, GENETIC DEFECT IN, 2A; THYROID PEROXIDASE DEFICIENCY. Identifiers: Orphanet 95716, MedGen C1291299, MONDO:0010133, OMIM 274500.

Submission:

3billion
Classification: Likely pathogenic for Deficiency of iodide peroxidase. Last evaluated: 2022-05-22. Review status: criteria provided, single submitter. Criteria: ACMG Guidelines, 2015. Collection method: clinical testing. Allele origin: germline. Affected: yes. Observed: 1 heterozygote.
Comment: The variant is not observed in the gnomAD v2.1.1 dataset. Missense changes are a common disease-causing mechanism. Functional studies provide strong evidence of the variant having a damaging effect on the gene or gene product (PMID:32424871). In silico tool predictions suggest damaging effect of the variant on gene or gene product (REVEL: 0.75; 3Cnet: 0.16). Same nucleotide change resulting in same amino acid change has been previously reported to be associated with TPO related disorder (PMID: 32424871). Therefore, this variant is classified as likely pathogenic according to the recommendation of ACMG/AMP guideline.

Literature cited by the submitters: PubMed 32424871.